The following is an entry in ClinVar:

ClinVar aggregate classification (germline): Pathogenic (1 of 4 stars; one submission).

Conditions:
DICER1-related tumor predisposition. Also called: DICER1-related pleuropulmonary blastoma cancer predisposition syndrome; DICER1 syndrome. Identifiers: Orphanet 284343, MedGen C3839822, MONDO:0100216.

Submission:

Foulkes Cancer Genetics LDI, Lady Davis Institute for Medical Research
Classification: Pathogenic for Pleuropulmonary blastoma. Last evaluated: 2019-07-01. Review status: criteria provided, single submitter. Criteria: ACMG Guidelines, 2015. Collection method: curation. Allele origin: germline. Affected: yes. Observed: 1 variant allele.
Comment: ACMG criteria met: PVS1, PM2, PP4

Literature cited by the submitters: PubMed 21266384.

NM_177438.3(DICER1):c.5122_5128del (p.Gly1708fs)

Gene: DICER1 (dicer 1, ribonuclease III; minus strand). Cytogenetic location: 14q32.13.
Variant type: Deletion.
Coding change: c.5122_5128del on transcript NM_177438.3 (MANE Select); coding-DNA positions 5122 to 5128, 7 bases deleted (GGAGATG; older notation c.5122_5128delGGAGATG).
Protein change: p.Gly1708fs; shifts the reading frame from glycine 1708.
Molecular consequence: frameshift variant.
Genome position (GRCh38, 1-based): chr14:95,094,124-95,094,130, CATCTCC deleted on the plus strand (GGAGATG on the coding strand, the reverse complement: DICER1 is on the minus strand); deleting any 7 consecutive bases within chr14:95,094,124-95,094,132 gives the same sequence; the c. name uses the placement nearest the transcript's 3' end. VCF-style (leftmost placement, unchanged base first): chr14-95094123-GCATCTCC-G. GRCh37 (hg19) VCF-style: chr14-95560460-GCATCTCC-G.
Other names: c.5122_5128del, p.Gly1708fs (NM_001195573.1, NM_001271282.3, NM_001291628.2 and 1 more transcripts); short protein forms G1708fs.
Identifiers: ClinVar variation 932991 (VCV000932991.3), dbSNP rs1890098380, ClinGen allele CA1139663692.